The following is an entry in ClinVar:

ClinVar aggregate classification (germline): Uncertain significance (1 of 4 stars; one submission).

Conditions:
GNPTAB-Related Disorders. Also called: GNPTAB-related disorder; GNPTAB-related condition. Identifiers: MedGen CN381523.

Allele frequency attached by ClinVar (database versions not stated): gnomAD 0.00008; TOPMed 0.00018.

Submission:

PreventionGenetics, part of Exact Sciences
Classification: Uncertain significance for GNPTAB-related condition. Last evaluated: 2023-04-24. Review status: criteria provided, single submitter. Criteria: ACMG Guidelines, 2015. Collection method: clinical testing. Allele origin: germline.
Comment: The GNPTAB c.3435-219C>T variant is predicted to interfere with splicing. This variant is predicted to modestly activate a cryptic splice acceptor site and may result in aberrant splicing (Alamut Visual Plus v1.6.1). To our knowledge, this variant has not been reported in the literature. This variant is reported in 0.35% of alleles in individuals of Latino descent in gnomAD (3 alleles). At this time, the clinical significance of this variant is uncertain due to the absence of conclusive functional and genetic evidence.

NM_024312.5(GNPTAB):c.3435-219C>T

Gene: GNPTAB (N-acetylglucosamine-1-phosphate transferase subunits alpha and beta; minus strand). Cytogenetic location: 12q23.2.
Variant type: single nucleotide variant.
Coding change: c.3435-219C>T on transcript NM_024312.5 (MANE Select); 219 bases into the intron before coding-DNA position 3435, C replaced by T.
Molecular consequence: intron variant.
Genome position (GRCh38, 1-based): chr12:101,753,758, G>A on the plus strand (C>T on the coding strand, the complement: GNPTAB is on the minus strand). VCF-style: chr12-101753758-G-A. GRCh37 (hg19) VCF-style: chr12-102147536-G-A.
Identifiers: ClinVar variation 2632939 (VCV002632939.1), dbSNP rs994469971, ClinGen allele CA242448101.